The following is an entry in ClinVar:

NM_001165963.4(SCN1A):c.1518_1519del (p.Lys507fs)

Gene: SCN1A (sodium voltage-gated channel alpha subunit 1; minus strand). Cytogenetic location: 2q24.3.
Variant type: Deletion.
Coding change: c.1518_1519del on transcript NM_001165963.4 (MANE Select); coding-DNA positions 1518 to 1519, 2 bases deleted (GA; older notation c.1518_1519delGA).
Protein change: p.Lys507fs; shifts the reading frame from lysine 507.
Molecular consequence: frameshift variant. On other transcripts: 5 prime UTR variant (1), non-coding transcript variant (1).
Genome position (GRCh38, 1-based): chr2:166,045,186-166,045,187, TC deleted on the plus strand (GA on the coding strand, the reverse complement: SCN1A is on the minus strand); deleting any 2 consecutive bases within chr2:166,045,186-166,045,188 gives the same sequence; the c. name uses the placement nearest the transcript's 3' end. VCF-style (leftmost placement, unchanged base first): chr2-166045185-TTC-T. GRCh37 (hg19) VCF-style: chr2-166901695-TTC-T.
Other names: c.1518_1519del, p.Lys507fs (NM_001165964.3, NM_001202435.3, NM_001353948.2 and 7 more transcripts); c.1515_1516del, p.Lys506fs (NM_001353954.2, NM_001353955.2, NM_001353960.2); c.-908_-907del (NM_001353961.2); short protein forms K506fs, K507fs.
Identifiers: ClinVar variation 569861 (VCV000569861.8), dbSNP rs1559220874, ClinGen allele CA891842515.

ClinVar aggregate classification (germline): Pathogenic (1 of 4 stars; one submission).

Conditions:
Early-infantile DEE. Also called: Early infantile epileptic encephalopathy with suppression bursts; Early infantile epileptic encephalopathy; Ohtahara syndrome. Identifiers: Orphanet 1934, MedGen C0393706, MONDO:0800491.

Submission:

Labcorp Genetics (formerly Invitae), Labcorp
Classification: Pathogenic for Early-infantile DEE. Last evaluated: 2022-01-14. Review status: criteria provided, single submitter. Criteria: Invitae Variant Classification Sherloc (09022015). Collection method: clinical testing. Allele origin: germline.
Comment: For these reasons, this variant has been classified as Pathogenic. ClinVar contains an entry for this variant (Variation ID: 569861). This variant has not been reported in the literature in individuals affected with SCN1A-related conditions. This variant is not present in population databases (gnomAD no frequency). This sequence change creates a premature translational stop signal (p.Lys507Argfs*10) in the SCN1A gene. It is expected to result in an absent or disrupted protein product. Loss-of-function variants in SCN1A are known to be pathogenic (PMID: 17347258, 18930999).

Literature cited by the submitters: PubMed 17347258; PubMed 18930999.